The following is an entry in ClinVar:

NM_000059.4(BRCA2):c.6192G>A (p.Lys2064=)

Gene: BRCA2 (BRCA2 DNA repair associated; plus strand). Cytogenetic location: 13q13.1.
Variant type: single nucleotide variant.
Coding change: c.6192G>A on transcript NM_000059.4 (MANE Select); coding-DNA position 6192, G replaced by A.
Protein change: p.Lys2064=; no amino-acid change (lysine 2064 retained).
Molecular consequence: synonymous variant.
Genome position (GRCh38, 1-based): chr13:32,340,547, G>A. VCF-style: chr13-32340547-G-A. GRCh37 (hg19) VCF-style: chr13-32914684-G-A.
Identifiers: ClinVar variation 185993 (VCV000185993.11), dbSNP rs786202616, ClinGen allele CA023727.

ClinVar aggregate classification (germline): Likely benign. Review status: reviewed by expert panel (3 of 4 stars). 4 submissions from 4 submitters: Likely benign (1). 3 of the submissions do not count toward it. Last evaluated 2017-06-29.

Conditions:
Hereditary breast ovarian cancer syndrome. Also called: Hereditary breast and ovarian cancer; Hereditary breast and ovarian cancer syndrome; Breast and ovarian cancer; Hereditary breast and ovarian cancer syndrome (HBOC); Hereditary breast and/or ovarian cancer syndrome; BRCA1- and BRCA2-Associated Hereditary Breast and Ovarian Cancer. Identifiers: Orphanet 145, MedGen C0677776, MeSH D061325, MONDO:0003582. Disease mechanism: loss of function.
Hereditary cancer-predisposing syndrome. Also called: Hereditary Cancer Syndrome; Neoplastic Syndromes, Hereditary; Tumor predisposition; Hereditary neoplastic syndrome. Identifiers: Orphanet 140162, MedGen C0027672, MeSH D009386, MONDO:0015356.
Breast-ovarian cancer, familial, susceptibility to, 2 (BROVCA2). Also called: BRCA2 Hereditary Breast and Ovarian Cancer. Identifiers: Orphanet 145, MedGen C2675520, MONDO:0012933, OMIM 612555. Disease mechanism: loss of function.

Allele frequency attached by ClinVar (database versions not stated): gnomAD exomes below 0.00001; TOPMed below 0.00001.
gnomAD v4.1: 1 of 1,612,772 alleles (0.000062%); highest among the groups gnomAD compares: South Asian, 0.0011%; no homozygotes.

Submissions (4):

Evidence-based Network for the Interpretation of Germline Mutant Alleles (ENIGMA)
Classification: Likely benign for Breast-ovarian cancer, familial, susceptibility to, 2. Last evaluated: 2017-06-29. Review status: reviewed by expert panel. Criteria: ENIGMA BRCA1/2 Classification Criteria (2017-06-29). Collection method: curation. Allele origin: germline.
Comment: Synonymous substitution variant, with low bioinformatic likelihood to result in a splicing aberration (Splicing prior probability 0.02).

Labcorp Genetics (formerly Invitae), Labcorp
Classification: Likely benign for Hereditary breast ovarian cancer syndrome. Last evaluated: 2025-04-03. Review status: criteria provided, single submitter. Criteria: Invitae Variant Classification Sherloc (09022015). Collection method: clinical testing. Allele origin: germline. Not counted in ClinVar's aggregate classification.

Quest Diagnostics Nichols Institute San Juan Capistrano
Classification: Uncertain significance. Last evaluated: 2023-10-14. Review status: criteria provided, single submitter. Criteria: Quest Diagnostics criteria. Collection method: clinical testing. Allele origin: unknown. Not counted in ClinVar's aggregate classification.

Ambry Genetics
Classification: Likely benign for Hereditary cancer-predisposing syndrome. Last evaluated: 2014-08-14. Review status: criteria provided, single submitter. Criteria: Ambry Variant Classification Scheme 2023. Collection method: clinical testing. Allele origin: germline. Not counted in ClinVar's aggregate classification.

Literature cited by the submitters: PubMed 32486089 (cited by Quest Diagnostics Nichols Institute San Juan Capistrano).